The following is an entry in ClinVar:

NM_003072.5(SMARCA4):c.1757A>G (p.Lys586Arg)

Gene: SMARCA4 (SWI/SNF related BAF chromatin remodeling complex subunit ATPase 4; plus strand). Cytogenetic location: 19p13.2.
Variant type: single nucleotide variant.
Coding change: c.1757A>G on transcript NM_003072.5 (MANE Select); coding-DNA position 1757, A replaced by G.
Protein change: p.Lys586Arg; replaces lysine 586 with arginine.
Molecular consequence: missense variant. On other transcripts: non-coding transcript variant (1).
Genome position (GRCh38, 1-based): chr19:10,996,376, A>G. VCF-style: chr19-10996376-A-G. GRCh37 (hg19) VCF-style: chr19-11107052-A-G.
Other names: c.1757A>G, p.Lys586Arg (NM_001128844.3, NM_001128845.2, NM_001128846.2 and 6 more transcripts); short protein forms K586R.
Identifiers: ClinVar variation 1779487 (VCV001779487.2), dbSNP rs2145974469, ClinGen allele CA404064643.

ClinVar aggregate classification (germline): Uncertain significance (1 of 4 stars; one submission).

Conditions:
Hereditary cancer-predisposing syndrome. Also called: Neoplastic Syndromes, Hereditary; Tumor predisposition; Hereditary Cancer Syndrome; Hereditary neoplastic syndrome. Identifiers: Orphanet 140162, MedGen C0027672, MeSH D009386, MONDO:0015356.

Submission:

Ambry Genetics
Classification: Uncertain significance for Hereditary cancer-predisposing syndrome. Last evaluated: 2021-05-05. Review status: criteria provided, single submitter. Criteria: Ambry Variant Classification Scheme 2023. Collection method: clinical testing. Allele origin: germline.
Comment: The p.K586R variant (also known as c.1757A>G), located in coding exon 9 of the SMARCA4 gene, results from an A to G substitution at nucleotide position 1757. The lysine at codon 586 is replaced by arginine, an amino acid with highly similar properties. Missense and in-frame variants in SMARCA4 are known to cause neurodevelopmental disorders; however, such associations with rhabdoid tumor predisposition syndrome including small cell carcinoma of the ovary-hypercalcemic type (SCCOHT) are exceedingly rare (Kosho T et al. Am J Med Genet C Semin Med Genet. 2014 Sep;166C(3):262-75; Jelinic P et al. Nat Genet. 2014 May;46(5):424-6).This amino acid position is well conserved in available vertebrate species. In addition, this alteration is predicted to be tolerated by in silico analysis. Based on the supporting evidence, the association of this alteration with Coffin-Siris syndrome is unknown; however, the association of this alteration with rhabdoid tumor predisposition syndrome is unlikely.